The following is an entry in ClinVar:

NM_004958.4(MTOR):c.2353G>A (p.Asp785Asn)

Gene: MTOR (mechanistic target of rapamycin kinase; minus strand). Cytogenetic location: 1p36.22.
Variant type: single nucleotide variant.
Coding change: c.2353G>A on transcript NM_004958.4 (MANE Select); coding-DNA position 2353, G replaced by A.
Protein change: p.Asp785Asn; replaces aspartic acid 785 with asparagine.
Molecular consequence: missense variant.
Genome position (GRCh38, 1-based): chr1:11,233,466, C>T on the plus strand (G>A on the coding strand, the complement: MTOR is on the minus strand). VCF-style: chr1-11233466-C-T. GRCh37 (hg19) VCF-style: chr1-11293523-C-T.
Other names: c.2353G>A, p.Asp785Asn (NM_001386500.1); c.1105G>A, p.Asp369Asn (NM_001386501.1); short protein forms D369N, D785N.
Identifiers: ClinVar variation 3633501 (VCV003633501.2).

ClinVar aggregate classification (germline): Uncertain significance (1 of 4 stars; one submission).

gnomAD v4.1: 1 of 1,613,886 alleles (0.000062%); highest among the groups gnomAD compares: Non-Finnish European, 0.000085%; no homozygotes.

Submission:

Labcorp Genetics (formerly Invitae), Labcorp
Classification: Uncertain significance. Last evaluated: 2024-06-13. Review status: criteria provided, single submitter. Criteria: Invitae Variant Classification Sherloc (09022015). Collection method: clinical testing. Allele origin: germline.
Comment: This sequence change replaces aspartic acid, which is acidic and polar, with asparagine, which is neutral and polar, at codon 785 of the MTOR protein (p.Asp785Asn). This variant is not present in population databases (gnomAD no frequency). This variant has not been reported in the literature in individuals affected with MTOR-related conditions. Advanced modeling of protein sequence and biophysical properties (such as structural, functional, and spatial information, amino acid conservation, physicochemical variation, residue mobility, and thermodynamic stability) performed at Invitae indicates that this missense variant is not expected to disrupt MTOR protein function with a negative predictive value of 95%. In summary, the available evidence is currently insufficient to determine the role of this variant in disease. Therefore, it has been classified as a Variant of Uncertain Significance.